The following is an entry in ClinVar:

NM_006949.4(STXBP2):c.1116dup (p.Met373fs)

Gene: STXBP2 (syntaxin binding protein 2; plus strand). Cytogenetic location: 19p13.2.
Variant type: Duplication.
Coding change: c.1116dup on transcript NM_006949.4 (MANE Select); coding-DNA position 1116, one base duplicated (C; older notation c.1116dupC).
Protein change: p.Met373fs; shifts the reading frame from methionine 373.
Molecular consequence: frameshift variant. On other transcripts: non-coding transcript variant (1).
Genome position (GRCh38, 1-based): chr19:7,644,622, C duplicated; the last of 2 consecutive C bases (chr19:7,644,621-7,644,622); duplicating either gives the same sequence. VCF-style (leftmost placement, unchanged base first): chr19-7644620-G-GC. GRCh37 (hg19) VCF-style: chr19-7709506-G-GC.
Other names: c.1107dup, p.Met370fs (NM_001127396.3); c.1149dup, p.Met384fs (NM_001272034.2); c.1020dup, p.Met341fs (NM_001414484.1); short protein forms M341fs, M370fs, M373fs, M384fs.
Identifiers: ClinVar variation 2742940 (VCV002742940.3), dbSNP rs2512705792, ClinGen allele CA2697556196.

ClinVar aggregate classification (germline): Pathogenic (1 of 4 stars; one submission).

Conditions:
Familial hemophagocytic lymphohistiocytosis 5. Also called: STXBP2-Related Familial Hemophagocytic Lymphohistiocytosis (STXBP2-fHLH). Identifiers: Orphanet 540, MedGen C2751293, MONDO:0013135, OMIM 613101.

Submission:

Labcorp Genetics (formerly Invitae), Labcorp
Classification: Pathogenic for Familial hemophagocytic lymphohistiocytosis 5. Last evaluated: 2023-07-13. Review status: criteria provided, single submitter. Criteria: Invitae Variant Classification Sherloc (09022015). Collection method: clinical testing. Allele origin: germline.
Comment: For these reasons, this variant has been classified as Pathogenic. This variant has not been reported in the literature in individuals affected with STXBP2-related conditions. This variant is not present in population databases (gnomAD no frequency). This sequence change creates a premature translational stop signal (p.Met373Hisfs*47) in the STXBP2 gene. It is expected to result in an absent or disrupted protein product. Loss-of-function variants in STXBP2 are known to be pathogenic (PMID: 19804848, 22451424).

Literature cited by the submitters: PubMed 19804848; PubMed 22451424.